The following is an entry in ClinVar:

ClinVar aggregate classification (germline): Benign/Likely benign. Review status: criteria provided, multiple submitters, no conflicts (2 of 4 stars). 4 submissions from 4 submitters: Benign (1); Likely benign (3). Last evaluated 2025-03-14.

Conditions:
Hereditary pheochromocytoma and paraganglioma. Also called: Hereditary Paraganglioma-Pheochromocytoma Syndromes; Hereditary paragangliomas and pheochromocytomas; Hereditary pheochromocytoma-paraganglioma. Identifiers: Orphanet 29072, MedGen C4274332, MONDO:0017366.
Hereditary cancer-predisposing syndrome. Also called: Neoplastic Syndromes, Hereditary; Tumor predisposition; Hereditary Cancer Syndrome; Hereditary neoplastic syndrome. Identifiers: Orphanet 140162, MedGen C0027672, MeSH D009386, MONDO:0015356.
Pheochromocytoma/paraganglioma syndrome 3. Also called: GLOMUS TUMORS, FAMILIAL, 3; Paragangliomas 3; SDHC-Related Hereditary Paraganglioma-Pheochromocytoma Syndrome (Paragangliomas 3); SDHC-Related Hereditary Paraganglioma-Pheochromocytoma Syndrome. Identifiers: Orphanet 29072, MedGen C1854336, MONDO:0011544, OMIM 605373.
Gastrointestinal stromal tumor. Also called: Gastrointestinal stromal tumor, somatic; Gastrointestinal stroma tumor. Identifiers: Orphanet 44890, MedGen C0238198, MeSH D046152, MONDO:0011719, OMIM 606764, HP:0100723.

Submissions (4):

Myriad Genetics, Inc.
Classification: Benign for Pheochromocytoma/paraganglioma syndrome 3. Last evaluated: 2025-03-14. Review status: criteria provided, single submitter. Criteria: Myriad Autosomal Dominant, Autosomal Recessive and X-Linked Classification Criteria (2023). Collection method: clinical testing. Allele origin: unknown.
Comment: This variant is considered benign. This variant is a silent/synonymous amino acid change and it is not expected to impact splicing.

Labcorp Genetics (formerly Invitae), Labcorp
Classification: Likely benign for Pheochromocytoma/paraganglioma syndrome 3; Gastrointestinal stromal tumor. Last evaluated: 2024-07-05. Review status: criteria provided, single submitter. Criteria: Invitae Variant Classification Sherloc (09022015). Collection method: clinical testing. Allele origin: germline.

All of Us Research Program, National Institutes of Health
Classification: Likely benign for Hereditary pheochromocytoma and paraganglioma. Last evaluated: 2023-06-08. Review status: criteria provided, single submitter. Criteria: ACMG Guidelines, 2015. Collection method: clinical testing. Allele origin: germline. Inheritance: Autosomal dominant inheritance. Observed: 1 variant allele, 1 heterozygote.
Comment: This study involves interpretation of variants in research participants for the purpose of population health screening. Participant phenotype was not available at the time of variant classification. Additional details can be found in publication PMID: 35346344, PMCID: PMC8962531

Ambry Genetics
Classification: Likely benign for Hereditary cancer-predisposing syndrome. Last evaluated: 2022-04-11. Review status: criteria provided, single submitter. Criteria: Ambry Variant Classification Scheme 2023. Collection method: clinical testing. Allele origin: germline.

NM_003001.5(SDHC):c.171T>A (p.Thr57=)

Gene: SDHC (succinate dehydrogenase complex subunit C; plus strand). Cytogenetic location: 1q23.3.
Variant type: single nucleotide variant.
Coding change: c.171T>A on transcript NM_003001.5 (MANE Select); coding-DNA position 171, T replaced by A.
Protein change: p.Thr57=; no amino-acid change (threonine 57 retained).
Molecular consequence: synonymous variant. On other transcripts: non-coding transcript variant (1), intron variant (4).
Genome position (GRCh38, 1-based): chr1:161,328,489, T>A. VCF-style: chr1-161328489-T-A. GRCh37 (hg19) VCF-style: chr1-161298279-T-A.
Other names: c.171T>A, p.Thr57= (NM_001035511.3, NM_001407115.1); c.114T>A, p.Thr38= (NM_001407116.1, NM_001407117.1, NM_001407121.1); c.60T>A, p.Thr20= (NM_001407119.1, NM_001407120.1); c.77+4819T>A (NM_001035512.3, NM_001278172.3, NM_001407118.1); c.21-12105T>A (NM_001035513.3).
Identifiers: ClinVar variation 1778735 (VCV001778735.7), dbSNP rs2526365513, ClinGen allele CA421408576.